The following is an entry in ClinVar:

ClinVar aggregate classification (germline): Uncertain significance (1 of 4 stars; one submission).

Conditions:
Hereditary cancer-predisposing syndrome. Also called: Tumor predisposition; Hereditary Cancer Syndrome; Hereditary neoplastic syndrome; Neoplastic Syndromes, Hereditary. Identifiers: Orphanet 140162, MedGen C0027672, MeSH D009386, MONDO:0015356.

Submission:

Ambry Genetics
Classification: Uncertain significance for Hereditary cancer-predisposing syndrome. Last evaluated: 2025-07-02. Review status: criteria provided, single submitter. Criteria: Ambry Variant Classification Scheme 2023. Collection method: clinical testing. Allele origin: germline.
Comment: The p.S293R variant (also known as c.877A>C), located in coding exon 8 of the APC gene, results from an A to C substitution at nucleotide position 877. The serine at codon 293 is replaced by arginine, an amino acid with dissimilar properties. This amino acid position is highly conserved in available vertebrate species. In addition, in silico predictors for this gene do not accurately predict pathogenicity. Missense alterations in APC are not a common cause of disease (Spier I et al. Genet Med. 2024 Feb;26(2):100992). Based on the available evidence, the clinical significance of this variant remains unclear.

NM_000038.6(APC):c.877A>C (p.Ser293Arg)

Gene: APC (APC regulator of Wnt signaling pathway; plus strand). Cytogenetic location: 5q22.2.
Variant type: single nucleotide variant.
Coding change: c.877A>C on transcript NM_000038.6 (MANE Select); coding-DNA position 877, A replaced by C.
Protein change: p.Ser293Arg; replaces serine 293 with arginine.
Molecular consequence: missense variant. On other transcripts: non-coding transcript variant (2).
Genome position (GRCh38, 1-based): chr5:112,815,537, A>C. VCF-style: chr5-112815537-A-C. GRCh37 (hg19) VCF-style: chr5-112151234-A-C.
Other names: c.700A>C, p.Ser234Arg (NM_001407453.1, NM_001354900.2, NM_001354901.2 and 1 more transcripts); c.877A>C, p.Ser293Arg (NM_001407454.1, NM_001407455.1, NM_001407456.1 and 12 more transcripts); c.793A>C, p.Ser265Arg (NM_001407467.1, NM_001407469.1, NM_001354899.2 and 1 more transcripts); c.28A>C, p.Ser10Arg (NM_001407470.1, NM_001407471.1, NM_001407472.1 and 1 more transcripts); c.823A>C, p.Ser275Arg (NM_001127511.3); c.907A>C, p.Ser303Arg (NM_001354897.2, NM_001354902.2, NM_001407446.1); c.802A>C, p.Ser268Arg (NM_001354898.2, NM_001354904.2, NM_001407451.1); short protein forms S275R, S268R, S293R, S10R, S234R, S265R, S303R.
Identifiers: ClinVar variation 3304027 (VCV003304027.2).
Genomic context (GRCh38, chr5:112,815,537, plus strand): 5'-AATGTGCTTAATTTTTAGGGTTCAACTACACGAATGGACCATGAAACAGCCAGTGTTTTG[A>C]GTTCTAGTAGCACACACTCTGCACCTCGAAGGCTGACAAGTCATCTGGGAACCAAGGTAA-3'
Protein context (NP_000029.2, residues 283-303): RMDHETASVL[Ser293Arg]SSSTHSAPRR